The following is an entry in ClinVar:

ClinVar aggregate classification (germline): Conflicting classifications of pathogenicity. Review status: criteria provided, conflicting classifications (1 of 4 stars). 2 submissions from 2 submitters: Uncertain significance (1); Likely benign (1). Last evaluated 2024-10-28.

Allele frequency attached by ClinVar (database versions not stated): ExAC 0.00001; gnomAD exomes 0.00002; gnomAD 0.00005 and 0.00006; TOPMed 0.00008.
gnomAD v4.1: 11 of 1,614,042 alleles (0.00068%); highest among the groups gnomAD compares: Admixed American, 0.018%; no homozygotes.

Submissions (2):

Labcorp Genetics (formerly Invitae), Labcorp
Classification: Uncertain significance. Last evaluated: 2024-10-28. Review status: criteria provided, single submitter. Criteria: Invitae Variant Classification Sherloc (09022015). Collection method: clinical testing. Allele origin: germline.
Comment: This sequence change replaces arginine, which is basic and polar, with lysine, which is basic and polar, at codon 376 of the ADNP protein (p.Arg376Lys). This variant is present in population databases (rs760486899, gnomAD 0.01%). This variant has not been reported in the literature in individuals affected with ADNP-related conditions. ClinVar contains an entry for this variant (Variation ID: 1193486). An algorithm developed to predict the effect of missense changes on protein structure and function (PolyPhen-2) suggests that this variant is likely to be tolerated. In summary, the available evidence is currently insufficient to determine the role of this variant in disease. Therefore, it has been classified as a Variant of Uncertain Significance.

GeneDx
Classification: Likely benign. Last evaluated: 2021-02-24. Review status: criteria provided, single submitter. Criteria: GeneDx Variant Classification Process June 2021. Collection method: clinical testing. Allele origin: germline. Affected: yes.

NM_001282531.3(ADNP):c.1127G>A (p.Arg376Lys)

Gene: ADNP (activity dependent neuroprotector homeobox; minus strand). Cytogenetic location: 20q13.13.
Variant type: single nucleotide variant.
Coding change: c.1127G>A on transcript NM_001282531.3 (MANE Select); coding-DNA position 1127, G replaced by A.
Protein change: p.Arg376Lys; replaces arginine 376 with lysine.
Molecular consequence: missense variant.
Genome position (GRCh38, 1-based): chr20:50,893,587, C>T on the plus strand (G>A on the coding strand, the complement: ADNP is on the minus strand). VCF-style: chr20-50893587-C-T. GRCh37 (hg19) VCF-style: chr20-49510124-C-T.
Other names: c.1127G>A, p.Arg376Lys (NM_001282532.2, NM_001347511.2, NM_015339.5 and 1 more transcripts); short protein forms R376K.
Identifiers: ClinVar variation 1193486 (VCV001193486.4), dbSNP rs760486899, ClinGen allele CA9908776.
Genomic context (GRCh38, chr20:50,893,587, plus strand): 5'-GACTGCAGGGAGTATCTTGCTGGTGCCTGGGACCTCTGCTCTGACCCAAGCCCATAAGAC[C>T]TTCCGTTTCCACTTGGAAGTAACTGCTTTACAGACTGAGATTGTTGAGGAATGGAAACTG-3'
Protein context (NP_001269460.1, residues 366-386): VKQLLPSGNG[Arg376Lys]SYGLGSEQRS